The following is an entry in ClinVar:

ClinVar aggregate classification (germline): Uncertain significance (1 of 4 stars; one submission).

Conditions:
RASopathy. Also called: rasopathies; Noonan spectrum disorder. Identifiers: Orphanet 536391, MedGen C5555857, MONDO:0021060.

gnomAD v4.1: 1 of 1,613,878 alleles (0.000062%); highest among the groups gnomAD compares: Non-Finnish European, 0.000085%; no homozygotes.

Submission:

Labcorp Genetics (formerly Invitae), Labcorp
Classification: Uncertain significance for RASopathy. Last evaluated: 2025-10-21. Review status: criteria provided, single submitter. Criteria: Invitae Variant Classification Sherloc (09022015). Collection method: clinical testing. Allele origin: germline.
Comment: This sequence change replaces serine, which is neutral and polar, with glycine, which is neutral and non-polar, at codon 287 of the SHOC2 protein (p.Ser287Gly). This variant is present in population databases (rs751220278, gnomAD 0.0009%). This variant has not been reported in the literature in individuals affected with SHOC2-related conditions. Invitae Evidence Modeling of protein sequence and biophysical properties (such as structural, functional, and spatial information, amino acid conservation, physicochemical variation, residue mobility, and thermodynamic stability) indicates that this missense variant is not expected to disrupt SHOC2 protein function with a negative predictive value of 80%. In summary, the available evidence is currently insufficient to determine the role of this variant in disease. Therefore, it has been classified as a Variant of Uncertain Significance.

NM_007373.4(SHOC2):c.859A>G (p.Ser287Gly)

Gene: SHOC2 (SHOC2 leucine rich repeat scaffold protein; plus strand). Cytogenetic location: 10q25.2.
Variant type: single nucleotide variant.
Coding change: c.859A>G on transcript NM_007373.4 (MANE Select); coding-DNA position 859, A replaced by G.
Protein change: p.Ser287Gly; replaces serine 287 with glycine.
Molecular consequence: missense variant. On other transcripts: 5 prime UTR variant (2), intron variant (1).
Genome position (GRCh38, 1-based): chr10:111,000,432, A>G. VCF-style: chr10-111000432-A-G. GRCh37 (hg19) VCF-style: chr10-112760190-A-G.
Other names: c.721A>G, p.Ser241Gly (NM_001269039.3, NM_001441186.1); c.859A>G, p.Ser287Gly (NM_001324336.2, NM_001324337.2, NM_001441184.1 and 2 more transcripts); c.190A>G, p.Ser64Gly (NM_001441188.1); c.-225A>G (NM_001441189.1, NM_001441190.1); c.-111-4174A>G (NM_001441191.1); short protein forms S287G, S64G, S241G.
Identifiers: ClinVar variation 4695569 (VCV004695569.1).